The following is an entry in ClinVar:

NM_004370.6(COL12A1):c.6102T>A (p.Phe2034Leu)

Gene: COL12A1 (collagen type XII alpha 1 chain; minus strand). Cytogenetic location: 6q13.
Variant type: single nucleotide variant.
Coding change: c.6102T>A on transcript NM_004370.6 (MANE Select); coding-DNA position 6102, T replaced by A.
Protein change: p.Phe2034Leu; replaces phenylalanine 2034 with leucine.
Molecular consequence: missense variant.
Genome position (GRCh38, 1-based): chr6:75,130,199, A>T on the plus strand (T>A on the coding strand, the complement: COL12A1 is on the minus strand). VCF-style: chr6-75130199-A-T. GRCh37 (hg19) VCF-style: chr6-75839915-A-T.
Other names: c.2610T>A, p.Phe870Leu (NM_080645.3); short protein forms F2034L, F870L.
Identifiers: ClinVar variation 1318602 (VCV001318602.2), dbSNP rs2149382623, ClinGen allele CA364731226.
Genomic context (GRCh38, chr6:75,130,199, plus strand): 5'-CTGCTGAACTGGCCCATCAGCATGATCCCAGGCTACCGAGAGGCTATTGGTTGTTTCACC[A>T]AAGACTCTCAGGTTCCTTGGTCCACTGCGTGGTACTAAATAAATAAAATACAATAGAGTT-3'
Protein context (NP_004361.3, residues 2024-2044): PRSGPRNLRV[Phe2034Leu]GETTNSLSVA

ClinVar aggregate classification (germline): Uncertain significance (1 of 4 stars; one submission).

gnomAD v4.1: 1 of 1,613,904 alleles (0.000062%); highest among the groups gnomAD compares: African/African-American, 0.0013%; no homozygotes.

Submission:

GeneDx
Classification: Uncertain significance. Last evaluated: 2019-05-21. Review status: criteria provided, single submitter. Criteria: GeneDx Variant Classification Process June 2021. Collection method: clinical testing. Allele origin: germline. Affected: yes.
Comment: Has not been previously published as pathogenic or benign to our knowledge; Not observed in large population cohorts (Lek et al., 2016); In silico analysis, which includes protein predictors and evolutionary conservation, supports that this variant does not alter protein structure/function